The following is an entry in ClinVar:

NM_000540.3(RYR1):c.425-7C>T

Gene: RYR1 (ryanodine receptor 1; plus strand). Cytogenetic location: 19q13.2.
Variant type: single nucleotide variant.
Coding change: c.425-7C>T on transcript NM_000540.3 (MANE Select); 7 bases into the intron before coding-DNA position 425, C replaced by T.
Molecular consequence: intron variant.
Genome position (GRCh38, 1-based): chr19:38,444,142, C>T. VCF-style: chr19-38444142-C-T. GRCh37 (hg19) VCF-style: chr19-38934782-C-T.
Other names: c.425-7C>T (NM_001042723.2).
Identifiers: ClinVar variation 1114066 (VCV001114066.12), dbSNP rs757005007, ClinGen allele CA065778.
Genomic context (GRCh38, chr19:38,444,142, plus strand): 5'-GCCCTGGGGAAGAGCATTCTGGGAAGCCATCATCTGACAGCCACCCCCATTCCATCCCCA[C>T]CCATAGGAGAGGCTTGCTGGTGGACCATGCACCCAGCCTCCAAGCAGAGGTCTGAAGGAG-3'

ClinVar aggregate classification (germline): Likely benign. Review status: criteria provided, multiple submitters, no conflicts (2 of 4 stars). 3 submissions from 3 submitters: Likely benign (3). Last evaluated 2025-12-22.

Conditions:
RYR1-related disorder. Also called: RYR1-related condition; RYR1-related disorders. Identifiers: MedGen CN239331.
Malignant hyperthermia, susceptibility to, 1 (MHS1). Also called: Anesthesia related hyperthermia; Malignant hyperpyrexia; Fulminating hyperpyrexia; Pharmacogenic myopathy; RYR1-Related Malignant Hyperthermia Susceptibility; Malignant hyperthermia suceptibility 1. Identifiers: Orphanet 423, MedGen C2930980, MONDO:0007783, OMIM 145600.

Allele frequency attached by ClinVar (database versions not stated): gnomAD 0.00001; gnomAD exomes 0.00001 and 0.00004; TOPMed 0.00002; ExAC 0.00003.
gnomAD v4.1: 19 of 1,611,718 alleles (0.0012%); highest among the groups gnomAD compares: South Asian, 0.0044%; no homozygotes.

Submissions (3):

Labcorp Genetics (formerly Invitae), Labcorp
Classification: Likely benign for RYR1-related disorder. Last evaluated: 2025-12-22. Review status: criteria provided, single submitter. Criteria: Invitae Variant Classification Sherloc (09022015). Collection method: clinical testing. Allele origin: germline.

All of Us Research Program, National Institutes of Health
Classification: Likely benign for Malignant hyperthermia, susceptibility to, 1. Last evaluated: 2024-05-14. Review status: criteria provided, single submitter. Criteria: ACMG Guidelines, 2015. Collection method: clinical testing. Allele origin: germline. Inheritance: Autosomal dominant inheritance. Observed: 6 variant alleles, 6 heterozygotes.
Comment: This study involves interpretation of variants in research participants for the purpose of population health screening. Participant phenotype was not available at the time of variant classification. Additional details can be found in publication PMID: 35346344, PMCID: PMC8962531

Color Diagnostics, LLC DBA Color Health
Classification: Likely benign for Malignant hyperthermia, susceptibility to, 1. Last evaluated: 2023-01-12. Review status: criteria provided, single submitter. Criteria: ACMG Guidelines, 2015. Collection method: clinical testing. Allele origin: germline.